The following is an entry in ClinVar:

NM_002968.3(SALL1):c.477_478insAGCAGCAGCGGC (p.Ser159_Gly160insSerSerSerGly)

Gene: SALL1 (spalt like transcription factor 1; minus strand). Cytogenetic location: 16q12.1.
Variant type: Insertion.
Coding change: c.477_478insAGCAGCAGCGGC on transcript NM_002968.3 (MANE Select); coding-DNA positions 477 to 478, AGCAGCAGCGGC inserted.
Protein change: p.Ser159_Gly160insSerSerSerGly.
Molecular consequence: inframe indel (on NM_002968.2).
Genome position: GRCh38 VCF-style: chr16-51141744-C-CGCCGCTGCTGCT. GRCh37 (hg19) VCF-style: chr16-51175655-C-CGCCGCTGCTGCT.
Other names: c.186_187insAGCAGCAGCGGC, p.Ser62_Gly63insSerSerSerGly (NM_001127892.2); c.477_478insAGCAGCAGCGGC (NM_002968.2).
Identifiers: ClinVar variation 3391655 (VCV003391655.1).

ClinVar aggregate classification (germline): Uncertain significance (1 of 4 stars; one submission).

Submission:

GeneDx
Classification: Uncertain significance. Last evaluated: 2024-06-18. Review status: criteria provided, single submitter. Criteria: GeneDx Variant Classification Process June 2021. Collection method: clinical testing. Allele origin: germline. Affected: yes.
Comment: Not observed at significant frequency in large population cohorts (gnomAD); In-frame insertion of 4 amino acids in a repetitive region with no known function; Has not been previously published as pathogenic or benign to our knowledge